The following is an entry in ClinVar:

ClinVar aggregate classification (germline): Likely benign (1 of 4 stars; one submission).

Submission:

GeneDx
Classification: Likely benign. Last evaluated: 2016-12-22. Review status: criteria provided, single submitter. Criteria: GeneDx Variant Classification (06012015). Collection method: clinical testing. Allele origin: germline. Affected: yes.
Comment: This variant is considered likely benign or benign based on one or more of the following criteria: it is a conservative change, it occurs at a poorly conserved position in the protein, it is predicted to be benign by multiple in silico algorithms, and/or has population frequency not consistent with disease.

NM_001148.6(ANK2):c.187-6T>C

Gene: ANK2 (ankyrin 2; plus strand). Cytogenetic location: 4q25.
Variant type: single nucleotide variant.
Coding change: c.187-6T>C on transcript NM_001148.6 (MANE Select); 6 bases into the intron before coding-DNA position 187, T replaced by C.
Molecular consequence: intron variant.
Genome position (GRCh38, 1-based): chr4:113,196,362, T>C. VCF-style: chr4-113196362-T-C. GRCh37 (hg19) VCF-style: chr4-114117518-T-C.
Other names: c.175-6T>C (NM_001386186.2, NM_001386148.2, NM_001354269.3 and 1 more transcripts); c.169-6T>C (NM_001386147.1, NM_001386160.1, NM_001354261.2); c.124-6T>C (NM_001354254.2, NM_001354239.2, NM_001354252.2 and 33 more transcripts); c.232-6T>C (NM_001354241.2, NM_001386152.1, NM_001354237.2 and 5 more transcripts); c.187-6T>C (NM_001354225.2, NM_001354235.2, NM_001354246.2 and 9 more transcripts); c.238-6T>C (NM_001386174.1, NM_001386175.1).
Identifiers: ClinVar variation 392154 (VCV000392154.1), dbSNP rs1057524373, ClinGen allele CA16604654.